The following is an entry in ClinVar:

ClinVar aggregate classification (germline): Uncertain significance (1 of 4 stars; one submission).

Conditions:
Inborn genetic diseases. Identifiers: MedGen C0950123, MeSH D030342.

Allele frequency attached by ClinVar (database versions not stated): gnomAD exomes 0.00001; gnomAD 0.00002; ExAC 0.00003; TOPMed 0.00003; ESP Exome Variant Server 0.00015.
gnomAD v4.1: 23 of 1,614,096 alleles (0.0014%); highest among the groups gnomAD compares: South Asian, 0.0066%; no homozygotes.

Submission:

Ambry Genetics
Classification: Uncertain significance for Inborn genetic diseases. Last evaluated: 2020-12-31. Review status: criteria provided, single submitter. Criteria: Ambry Variant Classification Scheme 2023. Collection method: clinical testing. Allele origin: germline.
Comment: The c.6061C>T (p.R2021C) alteration is located in exon 5 (coding exon 4) of the ZNF462 gene. This alteration results from a C to T substitution at nucleotide position 6061, causing the arginine (R) at amino acid position 2021 to be replaced by a cysteine (C). The p.R2021C alteration is predicted to be tolerated by in silico analysis. Based on insufficient or conflicting evidence, the clinical significance of this alteration remains unclear.

NM_021224.6(ZNF462):c.6061C>T (p.Arg2021Cys)

Gene: ZNF462 (zinc finger protein 462; plus strand). Cytogenetic location: 9q31.2.
Variant type: single nucleotide variant.
Coding change: c.6061C>T on transcript NM_021224.6 (MANE Select); coding-DNA position 6061, C replaced by T.
Protein change: p.Arg2021Cys; replaces arginine 2021 with cysteine.
Molecular consequence: missense variant.
Genome position (GRCh38, 1-based): chr9:106,932,494, C>T. VCF-style: chr9-106932494-C-T. GRCh37 (hg19) VCF-style: chr9-109694775-C-T.
Other names: c.3466C>T, p.Arg1156Cys (NM_001347997.2); short protein forms R1156C, R2021C.
Identifiers: ClinVar variation 2400634 (VCV002400634.2), dbSNP rs371680408, ClinGen allele CA5172140.